The following is an entry in ClinVar:

NM_006662.3(SRCAP):c.664G>C (p.Glu222Gln)

Gene: SRCAP (Snf2 related CREBBP activator protein; plus strand). Cytogenetic location: 16p11.2.
Variant type: single nucleotide variant.
Coding change: c.664G>C on transcript NM_006662.3 (MANE Select); coding-DNA position 664, G replaced by C.
Protein change: p.Glu222Gln; replaces glutamic acid 222 with glutamine.
Molecular consequence: missense variant.
Genome position (GRCh38, 1-based): chr16:30,709,543, G>C. VCF-style: chr16-30709543-G-C. GRCh37 (hg19) VCF-style: chr16-30720864-G-C.
Other names: short protein forms E222Q.
Identifiers: ClinVar variation 2636593 (VCV002636593.1), dbSNP rs1385467684, ClinGen allele CA395601837.
Genomic context (GRCh38, chr16:30,709,543, plus strand): 5'-GGTGAGCAGTCCCTTTCACATCTGTGGCAGGTGGTGCAATTCAAGCAACAGTCCCGGCTT[G>C]AGGAAAAGCGCAAAAAAGCCCTGGACCTGCATTTGGACTTCATTGTGGGGCAAACTGAAA-3'
Protein context (NP_006653.2, residues 212-232): VVQFKQQSRL[Glu222Gln]EKRKKALDLH

ClinVar aggregate classification (germline): Uncertain significance (1 of 4 stars; one submission).

Conditions:
SRCAP-related disorder. Also called: SRCAP-related condition.

Allele frequency attached by ClinVar (database versions not stated): gnomAD exomes below 0.00001.
gnomAD v4.1: 1 of 1,614,190 alleles (0.000062%); highest among the groups gnomAD compares: Non-Finnish European, 0.000085%; no homozygotes.

Submission:

PreventionGenetics, part of Exact Sciences
Classification: Uncertain significance for SRCAP-related condition. Last evaluated: 2022-09-09. Review status: criteria provided, single submitter. Criteria: ACMG Guidelines, 2015. Collection method: clinical testing. Allele origin: germline.
Comment: The SRCAP c.664G>C variant is predicted to result in the amino acid substitution p.Glu222Gln. To our knowledge, this variant has not been reported in the literature. This variant is reported in 0.00088% of alleles in individuals of European (Non-Finnish) descent in gnomAD. At this time, the clinical significance of this variant is uncertain due to the absence of conclusive functional and genetic evidence.